The following is an entry in ClinVar:

NM_203407.3(EZHIP):c.88T>A (p.Ser30Thr)

Gene: EZHIP (EZH inhibitory protein; plus strand). Cytogenetic location: Xp11.22.
Variant type: single nucleotide variant.
Coding change: c.88T>A on transcript NM_203407.3 (MANE Select); coding-DNA position 88, T replaced by A.
Protein change: p.Ser30Thr; replaces serine 30 with threonine.
Molecular consequence: missense variant.
Genome position (GRCh38, 1-based): chrX:51,407,104, T>A. VCF-style: chrX-51407104-T-A. GRCh37 (hg19) VCF-style: chrX-51149956-T-A.
Other names: short protein forms S30T.
Identifiers: ClinVar variation 2660565 (VCV002660565.24), dbSNP rs145281702, ClinGen allele CA10416806.

ClinVar aggregate classification (germline): Likely benign (1 of 4 stars; one submission).

Allele frequency attached by ClinVar (database versions not stated): gnomAD 0.00029; TOPMed 0.00029; ExAC 0.00031; gnomAD exomes 0.00034; ESP Exome Variant Server 0.00057.

Submission:

CeGaT Center for Human Genetics Tuebingen
Classification: Likely benign. Last evaluated: 2023-04-01. Review status: criteria provided, single submitter. Criteria: CeGaT Center For Human Genetics Tuebingen Variant Classification Criteria Version 2. Collection method: clinical testing. Allele origin: germline. Affected: yes. Observed: 1 variant allele.
Comment: EZHIP: BP4, BS2